The following is an entry in ClinVar:

ClinVar aggregate classification (germline): Likely benign (1 of 4 stars; one submission).

gnomAD v4.1: 25 of 1,614,020 alleles (0.0015%); highest among the groups gnomAD compares: Middle Eastern, 0.016%; no homozygotes.

Submission:

CeGaT Center for Human Genetics Tuebingen
Classification: Likely benign. Last evaluated: 2024-09-01. Review status: criteria provided, single submitter. Criteria: CeGaT Center For Human Genetics Tuebingen Variant Classification Criteria Version 2. Collection method: clinical testing. Allele origin: germline. Affected: yes. Observed: 1 variant allele.
Comment: TRRAP: BP4

NM_001375524.1(TRRAP):c.2850G>T (p.Leu950=)

Gene: TRRAP (transformation/transcription domain associated protein; plus strand). Cytogenetic location: 7q22.1.
Variant type: single nucleotide variant.
Coding change: c.2850G>T on transcript NM_001375524.1 (MANE Select); coding-DNA position 2850, G replaced by T.
Protein change: p.Leu950=; no amino-acid change (leucine 950 retained).
Molecular consequence: synonymous variant.
Genome position (GRCh38, 1-based): chr7:98,925,138, G>T. VCF-style: chr7-98925138-G-T. GRCh37 (hg19) VCF-style: chr7-98522761-G-T.
Other names: c.2850G>T, p.Leu950= (NM_001244580.2, NM_003496.4).
Identifiers: ClinVar variation 3388290 (VCV003388290.14).
Genomic context (GRCh38, chr7:98,925,138, plus strand): 5'-CACAAACTGTAGTTTCTTTGTGTCTTGGTTGTAGGCCATTGAAACTGCTCTGGACTGCCT[G>T]AAAAGCGCCAACACTGAGCCCTACTACCGGAGGCAGGCGTGGGAAGTGATCAAATGCTTC-3'
Protein context (NP_001362453.1, residues 940-960): EKAIETALDC[Leu950=]KSANTEPYYR